The following is an entry in ClinVar:

ClinVar aggregate classification (germline): Uncertain significance. Review status: criteria provided, multiple submitters, no conflicts (2 of 4 stars). 2 submissions from 2 submitters: Uncertain significance (2). Last evaluated 2024-12-16.

Conditions:
Cardiomyopathy (CMYO). Also called: Cardiomyopathies. Identifiers: Orphanet 167848, MedGen C0878544, MONDO:0004994, HP:0001638. Inheritance: Various modes of inheritance.
Catecholaminergic polymorphic ventricular tachycardia (CVPT). Also called: Catecholamine-induced polymorphic ventricular tachycardia. Identifiers: Orphanet 3286, MedGen C5574922, MONDO:0017990.

Submissions (2):

Color Diagnostics, LLC DBA Color Health
Classification: Uncertain significance for Cardiomyopathy. Last evaluated: 2024-12-16. Review status: criteria provided, single submitter. Criteria: ACMG Guidelines, 2015. Collection method: clinical testing. Allele origin: germline.
Comment: This missense variant replaces alanine with threonine at codon 481 of the RYR2 protein. Computational prediction is inconclusive regarding the impact of this variant on protein structure and function. To our knowledge, functional studies have not been reported for this variant. This variant has not been reported in individuals affected with RYR2-related disorders in the literature. This variant has not been identified in the general population by the Genome Aggregation Database (gnomAD). The available evidence is insufficient to determine the role of this variant in disease conclusively. Therefore, this variant is classified as a Variant of Uncertain Significance.

All of Us Research Program, National Institutes of Health
Classification: Uncertain significance for Catecholaminergic polymorphic ventricular tachycardia. Last evaluated: 2023-05-04. Review status: criteria provided, single submitter. Criteria: ACMG Guidelines, 2015. Collection method: clinical testing. Allele origin: germline. Inheritance: Autosomal dominant inheritance. Observed: 1 variant allele, 1 heterozygote.
Comment: This missense variant replaces alanine with threonine at codon 481 of the RYR2 protein. Computational prediction is inconclusive regarding the impact of this variant on protein structure and function (internally defined REVEL score threshold 0.5 < inconclusive < 0.7, PMID: 27666373). To our knowledge, functional studies have not been reported for this variant. This variant has not been reported in individuals affected with RYR2-related disorders in the literature. This variant has not been identified in the general population by the Genome Aggregation Database (gnomAD). The available evidence is insufficient to determine the role of this variant in disease conclusively. Therefore, this variant is classified as a Variant of Uncertain Significance.

This study involves interpretation of variants in research participants for the purpose of population health screening. Participant phenotype was not available at the time of variant classification. Additional details can be found in publication PMID: 35346344, PMCID: PMC8962531

NM_001035.3(RYR2):c.1441G>A (p.Ala481Thr)

Gene: RYR2 (ryanodine receptor 2; plus strand). Cytogenetic location: 1q43.
Variant type: single nucleotide variant.
Coding change: c.1441G>A on transcript NM_001035.3 (MANE Select); coding-DNA position 1441, G replaced by A.
Protein change: p.Ala481Thr; replaces alanine 481 with threonine.
Molecular consequence: missense variant.
Genome position (GRCh38, 1-based): chr1:237,454,539, G>A. VCF-style: chr1-237454539-G-A. GRCh37 (hg19) VCF-style: chr1-237617839-G-A.
Other names: short protein forms A481T.
Identifiers: ClinVar variation 3070683 (VCV003070683.2), dbSNP rs2528526347, ClinGen allele CA067896.